The following is an entry in ClinVar:

ClinVar aggregate classification (germline): Uncertain significance (1 of 4 stars; one submission).

Conditions:
Inborn genetic diseases. Identifiers: MedGen C0950123, MeSH D030342.

Allele frequency attached by ClinVar (database versions not stated): ExAC 0.00002; gnomAD 0.00002; gnomAD exomes 0.00002; TOPMed 0.00005; ESP Exome Variant Server 0.00008.
gnomAD v4.1: 33 of 1,612,034 alleles (0.002%); highest among the groups gnomAD compares: Non-Finnish European, 0.0026%; no homozygotes.

Submission:

Ambry Genetics
Classification: Uncertain significance for Inborn genetic diseases. Last evaluated: 2026-02-17. Review status: criteria provided, single submitter. Criteria: Ambry Variant Classification Scheme 2023. Collection method: clinical testing. Allele origin: germline.
Comment: The c.809G>A (p.R270Q) alteration is located in exon 6 (coding exon 6) of the GRIK2 gene. This alteration results from a G to A substitution at nucleotide position 809, causing the arginine (R) at amino acid position 270 to be replaced by a glutamine (Q). Based on data from gnomAD, the A allele has an overall frequency of 0.002% (4/250436) total alleles studied. The highest observed frequency was 0.004% (4/113094) of European (non-Finnish) alleles. Based on insufficient or conflicting evidence, the clinical significance of this alteration remains unclear.

NM_021956.5(GRIK2):c.809G>A (p.Arg270Gln)

Gene: GRIK2 (glutamate ionotropic receptor kainate type subunit 2; plus strand). Cytogenetic location: 6q16.3.
Variant type: single nucleotide variant.
Coding change: c.809G>A on transcript NM_021956.5 (MANE Select); coding-DNA position 809, G replaced by A.
Protein change: p.Arg270Gln; replaces arginine 270 with glutamine.
Molecular consequence: missense variant.
Genome position (GRCh38, 1-based): chr6:101,686,211, G>A. VCF-style: chr6-101686211-G-A. GRCh37 (hg19) VCF-style: chr6-102134086-G-A.
Other names: c.809G>A, p.Arg270Gln (NM_001166247.1, NM_175768.3); short protein forms R270Q.
Identifiers: ClinVar variation 2359956 (VCV002359956.3), dbSNP rs148565717, ClinGen allele CA3939412.